The following is an entry in ClinVar:

NM_032043.3(BRIP1):c.3302C>T (p.Pro1101Leu)

Gene: BRIP1 (BRCA1 interacting DNA helicase 1; minus strand). Cytogenetic location: 17q23.2.
Variant type: single nucleotide variant.
Coding change: c.3302C>T on transcript NM_032043.3 (MANE Select); coding-DNA position 3302, C replaced by T.
Protein change: p.Pro1101Leu; replaces proline 1101 with leucine.
Molecular consequence: missense variant.
Genome position (GRCh38, 1-based): chr17:61,683,744, G>A on the plus strand (C>T on the coding strand, the complement: BRIP1 is on the minus strand). VCF-style: chr17-61683744-G-A. GRCh37 (hg19) VCF-style: chr17-59761105-G-A.
Other names: c.3302C>T (NM_032043.2); short protein forms P1101L.
Identifiers: ClinVar variation 1045624 (VCV001045624.10), dbSNP rs2061312470, ClinGen allele CA400479023.
Genomic context (GRCh38, chr17:61,683,744, plus strand): 5'-AAATCTCTATTTGAAGTGGACTGTTTATCTTCTTCACTTACTAGAGACAATTCAATGTCT[G>A]GATCCAGGGCTTCTTCAGAACAGAGCGGATGTTCAGAATGATTTTTTCTAGTAAGGGTGG-3'
Protein context (NP_114432.2, residues 1091-1111): HPLCSEEALD[Pro1101Leu]DIELSLVSEE

ClinVar aggregate classification (germline): Conflicting classifications of pathogenicity. Review status: criteria provided, conflicting classifications (1 of 4 stars). 2 submissions from 2 submitters: Uncertain significance (1); Likely benign (1). Last evaluated 2025-03-05.

Conditions:
Hereditary cancer-predisposing syndrome. Also called: Hereditary neoplastic syndrome; Neoplastic Syndromes, Hereditary; Tumor predisposition; Hereditary Cancer Syndrome. Identifiers: Orphanet 140162, MedGen C0027672, MeSH D009386, MONDO:0015356.
Fanconi anemia complementation group J. Also called: BRIP1-Related Fanconi Anemia. Identifiers: Orphanet 84, MedGen C1836860, MONDO:0012187, OMIM 609054.
Familial cancer of breast. Also called: BREAST CANCER, FAMILIAL; Hereditary breast cancer; hereditary breast carcinoma. Identifiers: Orphanet 227535, MedGen C0346153, MONDO:0016419, OMIM 114480. Disease mechanism: loss of function.

Submissions (2):

Ambry Genetics
Classification: Likely benign for Hereditary cancer-predisposing syndrome. Last evaluated: 2025-03-05. Review status: criteria provided, single submitter. Criteria: Ambry Variant Classification Scheme 2023. Collection method: clinical testing. Allele origin: germline.

Labcorp Genetics (formerly Invitae), Labcorp
Classification: Uncertain significance for Familial cancer of breast; Fanconi anemia complementation group J. Last evaluated: 2023-01-12. Review status: criteria provided, single submitter. Criteria: Invitae Variant Classification Sherloc (09022015). Collection method: clinical testing. Allele origin: germline.
Comment: In summary, the available evidence is currently insufficient to determine the role of this variant in disease. Therefore, it has been classified as a Variant of Uncertain Significance. Algorithms developed to predict the effect of missense changes on protein structure and function output the following: SIFT: "Tolerated"; PolyPhen-2: "Benign"; Align-GVGD: "Class C0". The leucine amino acid residue is found in multiple mammalian species, which suggests that this missense change does not adversely affect protein function. ClinVar contains an entry for this variant (Variation ID: 1045624). This variant has not been reported in the literature in individuals affected with BRIP1-related conditions. This variant is not present in population databases (gnomAD no frequency). This sequence change replaces proline, which is neutral and non-polar, with leucine, which is neutral and non-polar, at codon 1101 of the BRIP1 protein (p.Pro1101Leu).